The following is an entry in ClinVar:

ClinVar aggregate classification (germline): Uncertain significance (1 of 4 stars; one submission).

gnomAD v4.1: 13 of 1,614,098 alleles (0.00081%); highest among the groups gnomAD compares: South Asian, 0.0055%; no homozygotes.

Submission:

GeneDx
Classification: Uncertain significance. Last evaluated: 2025-03-06. Review status: criteria provided, single submitter. Criteria: GeneDx Variant Classification Process June 2021. Collection method: clinical testing. Allele origin: germline. Affected: yes.
Comment: In silico analysis supports that this missense variant has a deleterious effect on protein structure/function; Has not been previously published as pathogenic or benign to our knowledge

NM_024656.4(COLGALT1):c.661C>G (p.Arg221Gly)

Gene: COLGALT1 (collagen beta(1-O)galactosyltransferase 1; plus strand). Cytogenetic location: 19p13.11.
Variant type: single nucleotide variant.
Coding change: c.661C>G on transcript NM_024656.4 (MANE Select); coding-DNA position 661, C replaced by G.
Protein change: p.Arg221Gly; replaces arginine 221 with glycine.
Molecular consequence: missense variant.
Genome position (GRCh38, 1-based): chr19:17,568,545, C>G. VCF-style: chr19-17568545-C-G. GRCh37 (hg19) VCF-style: chr19-17679354-C-G.
Other names: short protein forms R221G.
Identifiers: ClinVar variation 4082838 (VCV004082838.1).
Genomic context (GRCh38, chr19:17,568,545, plus strand): 5'-GGAACTCTCGCTCTCTCCCCACAGGGCTACTACAAGCGCACACCTGCCTACATCCCTATC[C>G]GCAAGCGAGACCGCCGGGGCTGCTTTGCAGTTCCCATGGTGCACTCGACCTTCCTGATCG-3'
Protein context (NP_078932.2, residues 211-231): YKRTPAYIPI[Arg221Gly]KRDRRGCFAV